The following is an entry in ClinVar:

ClinVar aggregate classification (germline): Uncertain significance (0 of 4 stars; one submission).

Conditions:
DIP2A-related disorder. Also called: DIP2A-related condition.

gnomAD v4.1: 1 of 1,613,672 alleles (0.000062%); highest among the groups gnomAD compares: Non-Finnish European, 0.000085%; no homozygotes.

Submission:

PreventionGenetics, part of Exact Sciences
Classification: Uncertain significance for DIP2A-related condition. Last evaluated: 2024-04-15. Review status: no assertion criteria provided. Collection method: clinical testing. Allele origin: germline.
Comment: The DIP2A c.3746C>G variant is predicted to result in the amino acid substitution p.Ser1249Cys. To our knowledge, this variant has not been reported in the literature or in a large population database, indicating this variant is rare. At this time, the clinical significance of this variant is uncertain due to the absence of conclusive functional and genetic evidence.

NM_015151.4(DIP2A):c.3746C>G (p.Ser1249Cys)

Gene: DIP2A (disco interacting protein 2 homolog A; plus strand). Cytogenetic location: 21q22.3.
Variant type: single nucleotide variant.
Coding change: c.3746C>G on transcript NM_015151.4 (MANE Select); coding-DNA position 3746, C replaced by G.
Protein change: p.Ser1249Cys; replaces serine 1249 with cysteine.
Molecular consequence: missense variant.
Genome position (GRCh38, 1-based): chr21:46,557,701, C>G. VCF-style: chr21-46557701-C-G. GRCh37 (hg19) VCF-style: chr21-47977614-C-G.
Other names: c.3734C>G, p.Ser1245Cys (NM_001146116.2); c.3749C>G, p.Ser1250Cys (NM_001353942.2); c.3746C>G, p.Ser1249Cys (NM_001353943.2, NM_001410751.1); short protein forms S1245C, S1249C, S1250C.
Identifiers: ClinVar variation 3349850 (VCV003349850.1).